The following is an entry in ClinVar:

ClinVar aggregate classification (germline): Uncertain significance. Review status: criteria provided, multiple submitters, no conflicts (2 of 4 stars). 2 submissions from 2 submitters: Uncertain significance (2). Last evaluated 2025-07-10.

Conditions:
Odonto-onycho-dermal dysplasia. Identifiers: Orphanet 2721, MedGen C0796093, MONDO:0009773, OMIM 257980.
Tooth agenesis, selective, 4 (STHAG4). Also called: SUCCEDANEOUS TEETH, AGENESIS OF; TOOTH AGENESIS, SELECTIVE, 4, WITH OR WITHOUT ECTODERMAL DYSPLASIA; LATERAL INCISORS, ABSENCE OF; LATERAL INCISORS, PEGGED OR MISSING. Identifiers: Orphanet 99798, MedGen C1835492, MONDO:0007881, OMIM 150400. Disease mechanism: loss of function.
Inborn genetic diseases. Identifiers: MedGen C0950123, MeSH D030342.

Allele frequency attached by ClinVar (database versions not stated): TOPMed below 0.00001; gnomAD exomes 0.00002.

Submissions (2):

Labcorp Genetics (formerly Invitae), Labcorp
Classification: Uncertain significance for Tooth agenesis, selective, 4; Odonto-onycho-dermal dysplasia. Last evaluated: 2025-07-10. Review status: criteria provided, single submitter. Criteria: Invitae Variant Classification Sherloc (09022015). Collection method: clinical testing. Allele origin: germline.
Comment: This sequence change replaces glutamic acid, which is acidic and polar, with alanine, which is neutral and non-polar, at codon 347 of the WNT10A protein (p.Glu347Ala). This variant is present in population databases (no rsID available, gnomAD 0.002%). This variant has not been reported in the literature in individuals affected with WNT10A-related conditions. ClinVar contains an entry for this variant (Variation ID: 2925023). Invitae Evidence Modeling of protein sequence and biophysical properties (such as structural, functional, and spatial information, amino acid conservation, physicochemical variation, residue mobility, and thermodynamic stability) indicates that this missense variant is not expected to disrupt WNT10A protein function with a negative predictive value of 80%. In summary, the available evidence is currently insufficient to determine the role of this variant in disease. Therefore, it has been classified as a Variant of Uncertain Significance.

Ambry Genetics
Classification: Uncertain significance for Inborn genetic diseases. Last evaluated: 2025-07-01. Review status: criteria provided, single submitter. Criteria: Ambry Variant Classification Scheme 2023. Collection method: clinical testing. Allele origin: germline.

NM_025216.3(WNT10A):c.1040A>C (p.Glu347Ala)

Gene: WNT10A (Wnt family member 10A; plus strand). Cytogenetic location: 2q35.
Variant type: single nucleotide variant.
Coding change: c.1040A>C on transcript NM_025216.3 (MANE Select); coding-DNA position 1040, A replaced by C.
Protein change: p.Glu347Ala; replaces glutamic acid 347 with alanine.
Molecular consequence: missense variant.
Genome position (GRCh38, 1-based): chr2:218,893,057, A>C. VCF-style: chr2-218893057-A-C. GRCh37 (hg19) VCF-style: chr2-219757779-A-C.
Other names: c.1040A>C (NM_025216.2); short protein forms E347A.
Identifiers: ClinVar variation 2925023 (VCV002925023.4), dbSNP rs1482639912, ClinGen allele CA350590854.